The following is an entry in ClinVar:

ClinVar aggregate classification (germline): Likely benign (1 of 4 stars; one submission).

Allele frequency attached by ClinVar (database versions not stated): gnomAD 0.00001; gnomAD exomes 0.00001; TOPMed 0.00002.
gnomAD v4.1: 6 of 1,592,642 alleles (0.00038%); highest among the groups gnomAD compares: African/African-American, 0.0013%; no homozygotes.

Submission:

CeGaT Center for Human Genetics Tuebingen
Classification: Likely benign. Last evaluated: 2022-05-01. Review status: criteria provided, single submitter. Criteria: CeGaT Center For Human Genetics Tuebingen Variant Classification Criteria Version 2. Collection method: clinical testing. Allele origin: germline. Affected: yes. Observed: 1 variant allele.
Comment: MAP3K6: BP4, BP7

NM_004672.5(MAP3K6):c.1839C>T (p.Cys613=)

Gene: MAP3K6 (mitogen-activated protein kinase kinase kinase 6; minus strand). Cytogenetic location: 1p36.11.
Variant type: single nucleotide variant.
Coding change: c.1839C>T on transcript NM_004672.5 (MANE Select); coding-DNA position 1839, C replaced by T.
Protein change: p.Cys613=; no amino-acid change (cysteine 613 retained).
Molecular consequence: synonymous variant.
Genome position (GRCh38, 1-based): chr1:27,361,002, G>A on the plus strand (C>T on the coding strand, the complement: MAP3K6 is on the minus strand). VCF-style: chr1-27361002-G-A. GRCh37 (hg19) VCF-style: chr1-27687493-G-A.
Other names: c.1815C>T, p.Cys605= (NM_001297609.2).
Identifiers: ClinVar variation 2638559 (VCV002638559.24), dbSNP rs1450976432, ClinGen allele CA416975431.